The following is an entry in ClinVar:

GRCh37/hg19 3q28-29(chr3:188386566-197838262)x3

Genes: DRC9 (dynein regulatory complex subunit 9; minus strand), RPL35A (ribosomal protein L35a; plus strand), RUBCN (rubicon autophagy regulator; minus strand), SENP5 (SUMO specific peptidase 5; plus strand), SLC51A (solute carrier family 51 member A; plus strand) and 59 more. Cytogenetic location: 3q28-29.
Variant type: copy number gain.
Change: copy number 3 (three copies instead of two) of chr3:188,386,566-197,838,262 (9.45 Mb, GRCh37 coordinates, 1-based), cytogenetic band 3q28-29.
Identifiers: ClinVar variation 638098 (VCV000638098.2).

ClinVar aggregate classification (germline): Pathogenic (1 of 4 stars; one submission).

Submission:

Clinical Genomics Laboratory, Laboratory for Precision Diagnostics, University of Washington
Classification: Pathogenic. Last evaluated: 2018-07-12. Review status: criteria provided, single submitter. Criteria: Clinical Cytogenomics Laboratory Policy on CNV Interpretation. Collection method: clinical testing. Allele origin: unknown. Affected: yes. Observed: 1 variant allele.

Literature cited by the submitters: PubMed 24838842.